The following is an entry in ClinVar:

NM_030773.4(TUBB1):c.1115C>T (p.Thr372Met)

Gene: TUBB1 (tubulin beta 1 class VI; plus strand). Cytogenetic location: 20q13.32.
Variant type: single nucleotide variant.
Coding change: c.1115C>T on transcript NM_030773.4 (MANE Select); coding-DNA position 1115, C replaced by T.
Protein change: p.Thr372Met; replaces threonine 372 with methionine.
Molecular consequence: missense variant.
Genome position (GRCh38, 1-based): chr20:59,024,542, C>T. VCF-style: chr20-59024542-C-T. GRCh37 (hg19) VCF-style: chr20-57599597-C-T.
Other names: short protein forms T372M.
Identifiers: ClinVar variation 2896308 (VCV002896308.3), dbSNP rs577942311, ClinGen allele CA9928662.

ClinVar aggregate classification (germline): Uncertain significance (1 of 4 stars; one submission).

Allele frequency attached by ClinVar (database versions not stated): ExAC 0.00001; 1000 Genomes Project 0.00020; 1000 Genomes Project 30x 0.00031.
gnomAD v4.1: 12 of 1,614,216 alleles (0.00074%); highest among the groups gnomAD compares: South Asian, 0.0022%; no homozygotes.

Submission:

Labcorp Genetics (formerly Invitae), Labcorp
Classification: Uncertain significance. Last evaluated: 2025-01-12. Review status: criteria provided, single submitter. Criteria: Invitae Variant Classification Sherloc (09022015). Collection method: clinical testing. Allele origin: germline.
Comment: This sequence change replaces threonine, which is neutral and polar, with methionine, which is neutral and non-polar, at codon 372 of the TUBB1 protein (p.Thr372Met). This variant is present in population databases (rs577942311, gnomAD 0.006%). This variant has not been reported in the literature in individuals affected with TUBB1-related conditions. ClinVar contains an entry for this variant (Variation ID: 2896308). Invitae Evidence Modeling of protein sequence and biophysical properties (such as structural, functional, and spatial information, amino acid conservation, physicochemical variation, residue mobility, and thermodynamic stability) indicates that this missense variant is expected to disrupt TUBB1 protein function with a positive predictive value of 80%. In summary, the available evidence is currently insufficient to determine the role of this variant in disease. Therefore, it has been classified as a Variant of Uncertain Significance.